The following is an entry in ClinVar:

ClinVar aggregate classification (germline): Uncertain significance. Review status: criteria provided, multiple submitters, no conflicts (2 of 4 stars). 3 submissions from 3 submitters: Uncertain significance (3). Last evaluated 2024-03-02.

Conditions:
Hereditary nonpolyposis colorectal neoplasms. Identifiers: MedGen C0009405, MeSH D003123.
Hereditary cancer-predisposing syndrome. Also called: Tumor predisposition; Hereditary neoplastic syndrome; Neoplastic Syndromes, Hereditary; Hereditary Cancer Syndrome. Identifiers: Orphanet 140162, MedGen C0027672, MeSH D009386, MONDO:0015356.
Endometrial carcinoma. Also called: Endometrial carcinoma, somatic. Identifiers: MedGen C0476089, MONDO:0002447, OMIM 608089, HP:0012114.
Lynch syndrome 5 (LYNCH5). Also called: Hereditary non-polyposis colorectal cancer, type 5; Colorectal cancer, hereditary nonpolyposis, type 5. Identifiers: Orphanet 144, MedGen C1833477, MONDO:0013710, OMIM 614350. Disease mechanism: loss of function.

Allele frequency attached by ClinVar (database versions not stated): gnomAD exomes 0.00001.

Submissions (3):

Labcorp Genetics (formerly Invitae), Labcorp
Classification: Uncertain significance for Hereditary nonpolyposis colorectal neoplasms. Last evaluated: 2024-03-02. Review status: criteria provided, single submitter. Criteria: Invitae Variant Classification Sherloc (09022015). Collection method: clinical testing. Allele origin: germline.
Comment: This sequence change replaces proline, which is neutral and non-polar, with serine, which is neutral and polar, at codon 138 of the MSH6 protein (p.Pro138Ser). This variant is not present in population databases (gnomAD no frequency). This variant has not been reported in the literature in individuals affected with MSH6-related conditions. ClinVar contains an entry for this variant (Variation ID: 860091). Advanced modeling of protein sequence and biophysical properties (such as structural, functional, and spatial information, amino acid conservation, physicochemical variation, residue mobility, and thermodynamic stability) performed at Invitae indicates that this missense variant is not expected to disrupt MSH6 protein function with a negative predictive value of 95%. In summary, the available evidence is currently insufficient to determine the role of this variant in disease. Therefore, it has been classified as a Variant of Uncertain Significance.

Ambry Genetics
Classification: Uncertain significance for Hereditary cancer-predisposing syndrome. Last evaluated: 2024-02-26. Review status: criteria provided, single submitter. Criteria: Ambry Variant Classification Scheme 2023. Collection method: clinical testing. Allele origin: germline.
Comment: The p.P138S variant (also known as c.412C>T), located in coding exon 2 of the MSH6 gene, results from a C to T substitution at nucleotide position 412. The proline at codon 138 is replaced by serine, an amino acid with similar properties. This variant was reported in 0/60,466 breast cancer cases and in 1/53,461 controls (Dorling et al. N Engl J Med. 2021 02;384:428-439). This amino acid position is highly conserved in available vertebrate species. In addition, the in silico prediction for this alteration is inconclusive. Since supporting evidence is limited at this time, the clinical significance of this alteration remains unclear.

Department of Pathology and Laboratory Medicine, Sinai Health System
Classification: Uncertain significance for Endometrial carcinoma; Lynch syndrome 5. Last evaluated: 2021-04-07. Review status: criteria provided, single submitter. Criteria: ACMG Guidelines, 2015. Collection method: clinical testing. Allele origin: germline. Affected: yes.

Literature cited by the submitters: PubMed 33471991 (cited by Ambry Genetics).

NM_000179.3(MSH6):c.412C>T (p.Pro138Ser)

Gene: MSH6 (mutS homolog 6; plus strand). Cytogenetic location: 2p16.3.
Variant type: single nucleotide variant.
Coding change: c.412C>T on transcript NM_000179.3 (MANE Select); coding-DNA position 412, C replaced by T.
Protein change: p.Pro138Ser; replaces proline 138 with serine.
Molecular consequence: missense variant. On other transcripts: 5 prime UTR variant (2), intron variant (1).
Genome position (GRCh38, 1-based): chr2:47,791,078, C>T. VCF-style: chr2-47791078-C-T. GRCh37 (hg19) VCF-style: chr2-48018217-C-T.
Other names: c.-325C>T (NM_001281493.2); c.-491C>T (NM_001281494.2); c.238-7533C>T (NM_001281492.2); short protein forms P138S.
Identifiers: ClinVar variation 860091 (VCV000860091.13), dbSNP rs1668700091, ClinGen allele CA346737118.